The following is an entry in ClinVar:

ClinVar aggregate classification (germline): Likely benign (1 of 4 stars; one submission).

Allele frequency attached by ClinVar (database versions not stated): ExAC 0.00007; gnomAD 0.00009; TOPMed 0.00009; 1000 Genomes Project 30x 0.00016; 1000 Genomes Project 0.00020; ESP Exome Variant Server 0.00025.
gnomAD v4.1: 29 of 1,599,604 alleles (0.0018%); highest among the groups gnomAD compares: African/African-American, 0.0093%; 1 homozygote.

Submission:

CeGaT Center for Human Genetics Tuebingen
Classification: Likely benign. Last evaluated: 2023-01-01. Review status: criteria provided, single submitter. Criteria: CeGaT Center For Human Genetics Tuebingen Variant Classification Criteria Version 2. Collection method: clinical testing. Allele origin: germline. Affected: yes. Observed: 1 variant allele.
Comment: IQCE: BP4, BP7

NM_152558.5(IQCE):c.249C>T (p.Thr83=)

Gene: IQCE (IQ motif containing E; plus strand). Cytogenetic location: 7p22.3.
Variant type: single nucleotide variant.
Coding change: c.249C>T on transcript NM_152558.5 (MANE Select); coding-DNA position 249, C replaced by T.
Protein change: p.Thr83=; no amino-acid change (threonine 83 retained).
Molecular consequence: synonymous variant.
Genome position (GRCh38, 1-based): chr7:2,571,644, C>T. VCF-style: chr7-2571644-C-T. GRCh37 (hg19) VCF-style: chr7-2611278-C-T.
Other names: c.249C>T, p.Thr83= (NM_001287499.2); c.201C>T, p.Thr67= (NM_001287500.2, NM_001410865.1); c.54C>T, p.Thr18= (NM_001287501.2, NM_001287502.2).
Identifiers: ClinVar variation 2657234 (VCV002657234.24), dbSNP rs368265748, ClinGen allele CA4128471.